The following is an entry in ClinVar:

NM_000388.4(CASR):c.2467C>T (p.Pro823Ser)

Gene: CASR (calcium sensing receptor; plus strand). Cytogenetic location: 3q21.1.
Variant type: single nucleotide variant.
Coding change: c.2467C>T on transcript NM_000388.4 (MANE Select); coding-DNA position 2467, C replaced by T.
Protein change: p.Pro823Ser; replaces proline 823 with serine.
Molecular consequence: missense variant.
Genome position (GRCh38, 1-based): chr3:122,284,421, C>T. VCF-style: chr3-122284421-C-T. GRCh37 (hg19) VCF-style: chr3-122003268-C-T.
Other names: c.2497C>T, p.Pro833Ser (NM_001178065.2); short protein forms P823S, P833S.
Identifiers: ClinVar variation 684506 (VCV000684506.4), dbSNP rs1576878027, ClinGen allele CA354159983.

ClinVar aggregate classification (germline): Uncertain significance (1 of 4 stars; one submission).

Conditions:
Autosomal dominant hypocalcemia 1 (HYPOC1). Also called: HYPOCALCEMIA, FAMILIAL. Identifiers: MedGen C3715128, MONDO:0011013, OMIM 601198.
Familial hypocalciuric hypercalcemia (FHH). Also called: Familial benign hypercalcemia. Identifiers: Orphanet 405, MedGen C1809471, MONDO:0018458.

Submission:

Labcorp Genetics (formerly Invitae), Labcorp
Classification: Uncertain significance for Familial hypocalciuric hypercalcemia; Autosomal dominant hypocalcemia 1. Last evaluated: 2024-05-01. Review status: criteria provided, single submitter. Criteria: Invitae Variant Classification Sherloc (09022015). Collection method: clinical testing. Allele origin: germline.
Comment: This sequence change replaces proline, which is neutral and non-polar, with serine, which is neutral and polar, at codon 823 of the CASR protein (p.Pro823Ser). This variant is not present in population databases (gnomAD no frequency). This missense change has been observed in individual(s) with hypocalciuric hypercalcaemia (PMID: 32347971). ClinVar contains an entry for this variant (Variation ID: 684506). An algorithm developed to predict the effect of missense changes on protein structure and function (PolyPhen-2) suggests that this variant is likely to be disruptive. In summary, the available evidence is currently insufficient to determine the role of this variant in disease. Therefore, it has been classified as a Variant of Uncertain Significance.

Literature cited by the submitters: PubMed 32347971 (cited by Labcorp Genetics (formerly Invitae), Labcorp).